The following is an entry in ClinVar:

ClinVar aggregate classification (germline): Benign. Review status: criteria provided, multiple submitters, no conflicts (2 of 4 stars). 11 submissions from 11 submitters: Benign (8). 3 of the submissions do not count toward it. Last evaluated 2026-02-01.

Conditions:
Cardiovascular phenotype. Identifiers: MedGen CN230736.
Hypertrophic cardiomyopathy. Also called: HYPERTROPHIC MYOCARDIOPATHY. Identifiers: Orphanet 217569, MedGen C0007194, MeSH D002312, MONDO:0005045, HP:0001639.
MYOZ2-related disorder. Also called: MYOZ2-related condition.
Cardiomyopathy (CMYO). Also called: Cardiomyopathies. Identifiers: Orphanet 167848, MedGen C0878544, MONDO:0004994, HP:0001638. Inheritance: Various modes of inheritance.
Hypertrophic cardiomyopathy 16. Identifiers: MedGen C3151204, MONDO:0013455, OMIM 613838.

Allele frequency attached by ClinVar (database versions not stated): gnomAD exomes 0.00211; gnomAD 0.00797 and 0.00857; ESP Exome Variant Server 0.00838; TOPMed 0.00874; 1000 Genomes Project 0.00879; 1000 Genomes Project 30x 0.00906.
gnomAD v4.1: 2,517 of 1,613,704 alleles (0.16%); highest among the groups gnomAD compares: African/African-American, 2.8%; 32 homozygotes.

Submissions (11):

Labcorp Genetics (formerly Invitae), Labcorp
Classification: Benign for Hypertrophic cardiomyopathy. Last evaluated: 2026-02-01. Review status: criteria provided, single submitter. Criteria: Invitae Variant Classification Sherloc (09022015). Collection method: clinical testing. Allele origin: germline.

ARUP Laboratories, Molecular Genetics and Genomics, ARUP Laboratories
Classification: Benign for Hypertrophic cardiomyopathy 16. Last evaluated: 2021-01-20. Review status: criteria provided, single submitter. Criteria: ARUP Molecular Germline Variant Investigation Process 2021. Collection method: clinical testing. Allele origin: germline.

CHEO Genetics Diagnostic Laboratory, Children's Hospital of Eastern Ontario
Classification: Benign for Cardiomyopathy. Last evaluated: 2016-11-23. Review status: criteria provided, single submitter. Criteria: ACMG Guidelines, 2015. Collection method: clinical testing. Allele origin: germline. Study: Canadian Open Genetics Repository.

Clinical Genetics DNA and cytogenetics Diagnostics Lab, Erasmus MC, Erasmus Medical Center
Classification: Benign for Hypertrophic cardiomyopathy 16. Last evaluated: 2015-09-21. Review status: criteria provided, single submitter. Criteria: ACGS Guidelines, 2013. Collection method: clinical testing. Allele origin: germline. Affected: yes. Study: VKGL Data-share Consensus.

Ambry Genetics
Classification: Benign for Cardiovascular phenotype. Last evaluated: 2015-06-25. Review status: criteria provided, single submitter. Criteria: Ambry Variant Classification Scheme 2023. Collection method: clinical testing. Allele origin: germline.

GeneDx
Classification: Benign. Last evaluated: 2014-04-20. Review status: criteria provided, single submitter. Criteria: GeneDx Variant Classification (06012015). Collection method: clinical testing. Allele origin: germline. Affected: yes.
Comment: This variant is considered likely benign or benign based on one or more of the following criteria: it is a conservative change, it occurs at a poorly conserved position in the protein, it is predicted to be benign by multiple in silico algorithms, and/or has population frequency not consistent with disease.

Laboratory for Molecular Medicine, Mass General Brigham Personalized Medicine
Classification: Benign. Last evaluated: 2012-05-01. Review status: criteria provided, single submitter. Criteria: LMM Criteria. Collection method: clinical testing. Allele origin: germline. Observed: 18 variant alleles.
Comment: Thr250Thr in exon 6 of MYOZ2: This variant is not expected to have clinical sign ificance because it does not alter an amino acid residue, is not located within the splice consensus sequence, and has been identified in 2.6% (96/3738) of Afri can American chromosomes from a broad population by the NHLBI Exome Sequencing P roject (rs17049982).

Breakthrough Genomics
Classification: Benign. Review status: criteria provided, single submitter. Criteria: ACMG Guidelines, 2015. Collection method: not provided. Allele origin: germline. Inheritance: Autosomal dominant inheritance. Affected: yes.

PreventionGenetics, part of Exact Sciences
Classification: Benign for MYOZ2-related condition. Last evaluated: 2019-09-13. Review status: no assertion criteria provided. Collection method: clinical testing. Allele origin: germline. Not counted in ClinVar's aggregate classification.
Comment: This variant is classified as benign based on ACMG/AMP sequence variant interpretation guidelines (Richards et al. 2015 PMID: 25741868, with internal and published modifications).

Clinical Genetics, Academic Medical Center
Classification: Benign. Review status: no assertion criteria provided. Collection method: clinical testing. Allele origin: germline. Affected: yes. Study: VKGL Data-share Consensus. Not counted in ClinVar's aggregate classification.

Joint Genome Diagnostic Labs from Nijmegen and Maastricht, Radboudumc and MUMC+
Classification: Benign. Review status: no assertion criteria provided. Collection method: clinical testing. Allele origin: germline. Affected: yes. Study: VKGL Data-share Consensus. Not counted in ClinVar's aggregate classification.

NM_016599.5(MYOZ2):c.750C>T (p.Thr250=)

Gene: MYOZ2 (myozenin 2; plus strand). Cytogenetic location: 4q26.
Variant type: single nucleotide variant.
Coding change: c.750C>T on transcript NM_016599.5 (MANE Select); coding-DNA position 750, C replaced by T.
Protein change: p.Thr250=; no amino-acid change (threonine 250 retained).
Molecular consequence: synonymous variant.
Genome position (GRCh38, 1-based): chr4:119,186,155, C>T. VCF-style: chr4-119186155-C-T. GRCh37 (hg19) VCF-style: chr4-120107310-C-T.
Other names: p.T250T:ACC>ACT.
Identifiers: ClinVar variation 45787 (VCV000045787.35), dbSNP rs17049982, ClinGen allele CA282618.